The following is an entry in ClinVar:

ClinVar aggregate classification (germline): Uncertain significance (0 of 4 stars; one submission).

Conditions:
SPRY4-related disorder. Also called: SPRY4-related condition.

gnomAD v4.1: 3 of 1,609,792 alleles (0.00019%); highest among the groups gnomAD compares: East Asian, 0.0067%; no homozygotes.

Submission:

PreventionGenetics, part of Exact Sciences
Classification: Uncertain significance for SPRY4-related condition. Last evaluated: 2024-06-06. Review status: no assertion criteria provided. Collection method: clinical testing. Allele origin: germline.
Comment: The SPRY4 c.446C>G variant is predicted to result in the amino acid substitution p.Pro149Arg. This variant has been reported in an individual with Kallmann syndrome and was noted to be inherited from an unaffected mother (Hui et al. 2023. PubMed ID: 37394858). This variant is reported in 0.011% of alleles in individuals of East Asian descent in gnomAD. At this time, the clinical significance of this variant is uncertain due to the absence of conclusive functional and genetic evidence.

NM_001127496.3(SPRY4):c.377C>G (p.Pro126Arg)

Gene: SPRY4 (sprouty RTK signaling antagonist 4; minus strand). Cytogenetic location: 5q31.3.
Variant type: single nucleotide variant.
Coding change: c.377C>G on transcript NM_001127496.3 (MANE Select); coding-DNA position 377, C replaced by G.
Protein change: p.Pro126Arg; replaces proline 126 with arginine.
Molecular consequence: missense variant.
Genome position (GRCh38, 1-based): chr5:142,314,732, G>C on the plus strand (C>G on the coding strand, the complement: SPRY4 is on the minus strand). VCF-style: chr5-142314732-G-C. GRCh37 (hg19) VCF-style: chr5-141694297-G-C.
Other names: c.377C>G, p.Pro126Arg (NM_001293289.3, NM_001293290.3); c.446C>G, p.Pro149Arg (NM_030964.5); short protein forms P126R, P149R.
Identifiers: ClinVar variation 3347492 (VCV003347492.1).
Genomic context (GRCh38, chr5:142,314,732, plus strand): 5'-GGGCCCTTGAGGTCCAGCGGCTGGCAGTGGACCACCTTGGGCTGGATGCGCACAGCCCTT[G>C]GTGAGGCCTGGTCAGCCACGGGTGGTGGTGCCATGTGGTCTAAGAGCCGTTGGTCAGAGG-3'
Protein context (NP_001120968.1, residues 116-136): APPPVADQAS[Pro126Arg]RAVRIQPKVV